The following is an entry in ClinVar:

ClinVar aggregate classification (germline): Benign/Likely benign. Review status: criteria provided, multiple submitters, no conflicts (2 of 4 stars). 10 submissions from 9 submitters: Benign (5); Likely benign (3). 2 of the submissions do not count toward it. Last evaluated 2026-02-04.

Conditions:
Bifunctional peroxisomal enzyme deficiency (DBIF). Also called: D-bifunctional protein deficiency; PBFE DEFICIENCY; DBP DEFICIENCY. Identifiers: Orphanet 300, MedGen C0342870, MONDO:0009855, OMIM 261515. Disease mechanism: loss of function.
Perrault syndrome. Also called: Gonadal dysgenesis with auditory dysfunction, autosomal recessive inheritance. Identifiers: Orphanet 2855, MedGen C0685838, MONDO:0017312.
Perrault syndrome 1 (PRLTS1). Also called: OVARIAN DYSGENESIS WITH SENSORINEURAL DEAFNESS; GONADAL DYSGENESIS, XX TYPE, WITH DEAFNESS. Identifiers: Orphanet 2855, Orphanet 642945, MedGen C4551721, MONDO:0009300, OMIM 233400.

Allele frequency attached by ClinVar (database versions not stated): gnomAD exomes 0.00189 and 0.00547; ExAC 0.00674; 1000 Genomes Project 0.01957; gnomAD 0.02075 and 0.02248; 1000 Genomes Project 30x 0.02092; TOPMed 0.02347; ESP Exome Variant Server 0.02376.
gnomAD v4.1: 5,901 of 1,529,008 alleles (0.39%); highest among the groups gnomAD compares: African/African-American, 7%; 177 homozygotes.

Submissions 1 to 26 of 39:

Labcorp Genetics (formerly Invitae), Labcorp
Classification: Benign for Perrault syndrome; Bifunctional peroxisomal enzyme deficiency. Last evaluated: 2026-02-04. Review status: criteria provided, single submitter. Criteria: Invitae Variant Classification Sherloc (09022015). Collection method: clinical testing. Allele origin: germline.

GeneDx
Classification: Benign. Last evaluated: 2017-10-05. Review status: criteria provided, single submitter. Criteria: GeneDx Variant Classification (06012015). Collection method: clinical testing. Allele origin: germline. Affected: yes.
Comment: This variant is considered likely benign or benign based on one or more of the following criteria: it is a conservative change, it occurs at a poorly conserved position in the protein, it is predicted to be benign by multiple in silico algorithms, and/or has population frequency not consistent with disease.

Illumina Laboratory Services, Illumina
Classification: Likely benign for Perrault syndrome 1. Last evaluated: 2017-04-27. Review status: criteria provided, single submitter. Criteria: ICSL Variant Classification Criteria 13 December 2019. Collection method: clinical testing. Allele origin: germline.
Comment: This variant was observed as part of a predisposition screen in an ostensibly healthy population. A literature search was performed for the gene, cDNA change, and amino acid change (where applicable). No publications were found based on this search. Allele frequency data from public databases allowed determination this variant is unlikely to cause disease. Therefore, this variant is classified as likely benign.

Illumina Laboratory Services, Illumina
Classification: Likely benign for Bifunctional peroxisomal enzyme deficiency. Last evaluated: 2017-04-27. Review status: criteria provided, single submitter. Criteria: ICSL Variant Classification Criteria 13 December 2019. Collection method: clinical testing. Allele origin: germline.
Comment: the same text as in the submission from Illumina Laboratory Services, Illumina above.

Center for Pediatric Genomic Medicine, Children's Mercy Hospital and Clinics
Classification: Benign. Last evaluated: 2015-10-27. Review status: criteria provided, single submitter. Criteria: ACMG Guidelines, 2015. Collection method: clinical testing. Allele origin: germline.

Laboratory for Molecular Medicine, Mass General Brigham Personalized Medicine
Classification: Benign. Last evaluated: 2014-11-24. Review status: criteria provided, single submitter. Criteria: LMM Criteria. Collection method: clinical testing. Allele origin: germline. Observed: 13 variant alleles.
Comment: Thr317Ser in exon 13 of HSD17B4: This variant is not expected to have clinical s ignificance because it has been identified in 7.0% (307/4404) of African America n chromosomes from a broad population by the NHLBI Exome Sequencing Project (dbSNP rs1143650).

Breakthrough Genomics
Classification: Likely benign. Review status: criteria provided, single submitter. Criteria: ACMG Guidelines, 2015. Collection method: not provided. Allele origin: germline. Inheritance: Autosomal recessive inheritance. Affected: yes.

PreventionGenetics, part of Exact Sciences
Classification: Benign. Review status: criteria provided, single submitter. Criteria: ACMG Guidelines, 2015. Collection method: clinical testing. Allele origin: germline.

Natera, Inc.
Classification: Benign for Bifunctional peroxisomal enzyme deficiency. Last evaluated: 2020-09-16. Review status: no assertion criteria provided. Collection method: clinical testing. Allele origin: germline. Not counted in ClinVar's aggregate classification.

Mayo Clinic Laboratories, Mayo Clinic
Classification: Benign. Last evaluated: 2016-10-14. Review status: no assertion criteria provided. Collection method: clinical testing. Allele origin: unknown. Not counted in ClinVar's aggregate classification.

Dr. Peter K. Rogan Lab, Western University
No classification provided (evidence only). Condition: Clear cell carcinoma of kidney. Review status: no classification provided. Collection method: in vitro. Allele origin: not applicable. Functional consequence: retained intron. Not counted in ClinVar's aggregate classification.

Dr. Peter K. Rogan Lab, Western University
No classification provided (evidence only). Condition: Acute myeloid leukemia. Review status: no classification provided. Collection method: in vitro. Allele origin: not applicable. Functional consequence: retained intron. Not counted in ClinVar's aggregate classification.

Dr. Peter K. Rogan Lab, Western University
No classification provided (evidence only). Condition: Acute myeloid leukemia. Review status: no classification provided. Collection method: in vitro. Allele origin: not applicable. Functional consequence: retained intron. Not counted in ClinVar's aggregate classification.

Dr. Peter K. Rogan Lab, Western University
No classification provided (evidence only). Condition: Acute myeloid leukemia. Review status: no classification provided. Collection method: in vitro. Allele origin: not applicable. Functional consequence: retained intron. Not counted in ClinVar's aggregate classification.

Dr. Peter K. Rogan Lab, Western University
No classification provided (evidence only). Condition: Acute myeloid leukemia. Review status: no classification provided. Collection method: in vitro. Allele origin: not applicable. Functional consequence: retained intron. Not counted in ClinVar's aggregate classification.

Dr. Peter K. Rogan Lab, Western University
No classification provided (evidence only). Condition: Colon adenocarcinoma. Review status: no classification provided. Collection method: in vitro. Allele origin: not applicable. Functional consequence: retained intron. Not counted in ClinVar's aggregate classification.

Dr. Peter K. Rogan Lab, Western University
No classification provided (evidence only). Condition: Colon adenocarcinoma. Review status: no classification provided. Collection method: in vitro. Allele origin: not applicable. Functional consequence: retained intron. Not counted in ClinVar's aggregate classification.

Dr. Peter K. Rogan Lab, Western University
No classification provided (evidence only). Condition: Colon adenocarcinoma. Review status: no classification provided. Collection method: in vitro. Allele origin: not applicable. Functional consequence: retained intron. Not counted in ClinVar's aggregate classification.

Dr. Peter K. Rogan Lab, Western University
No classification provided (evidence only). Condition: Colorectal cancer. Review status: no classification provided. Collection method: in vitro. Allele origin: not applicable. Functional consequence: retained intron. Not counted in ClinVar's aggregate classification.

Dr. Peter K. Rogan Lab, Western University
No classification provided (evidence only). Condition: Thyroid cancer, nonmedullary, 1. Review status: no classification provided. Collection method: in vitro. Allele origin: not applicable. Functional consequence: retained intron. Not counted in ClinVar's aggregate classification.

Dr. Peter K. Rogan Lab, Western University
No classification provided (evidence only). Condition: Uterine corpus endometrial carcinoma. Review status: no classification provided. Collection method: in vitro. Allele origin: not applicable. Functional consequence: retained intron. Not counted in ClinVar's aggregate classification.

Dr. Peter K. Rogan Lab, Western University
No classification provided (evidence only). Condition: Uterine corpus endometrial carcinoma. Review status: no classification provided. Collection method: in vitro. Allele origin: not applicable. Functional consequence: retained intron. Not counted in ClinVar's aggregate classification.

Dr. Peter K. Rogan Lab, Western University
No classification provided (evidence only). Condition: Uterine corpus endometrial carcinoma. Review status: no classification provided. Collection method: in vitro. Allele origin: not applicable. Functional consequence: retained intron. Not counted in ClinVar's aggregate classification.

Dr. Peter K. Rogan Lab, Western University
No classification provided (evidence only). Condition: Uterine corpus endometrial carcinoma. Review status: no classification provided. Collection method: in vitro. Allele origin: not applicable. Functional consequence: retained intron. Not counted in ClinVar's aggregate classification.

Dr. Peter K. Rogan Lab, Western University
No classification provided (evidence only). Condition: Uterine corpus endometrial carcinoma. Review status: no classification provided. Collection method: in vitro. Allele origin: not applicable. Functional consequence: retained intron. Not counted in ClinVar's aggregate classification.

Dr. Peter K. Rogan Lab, Western University
No classification provided (evidence only). Condition: Uterine corpus endometrial carcinoma. Review status: no classification provided. Collection method: in vitro. Allele origin: not applicable. Functional consequence: retained intron. Not counted in ClinVar's aggregate classification.

NM_000414.4(HSD17B4):c.875C>G (p.Thr292Ser)

Gene: HSD17B4 (hydroxysteroid 17-beta dehydrogenase 4; plus strand). Cytogenetic location: 5q23.1.
Variant type: single nucleotide variant.
Coding change: c.875C>G on transcript NM_000414.4 (MANE Select); coding-DNA position 875, C replaced by G.
Protein change: p.Thr292Ser; replaces threonine 292 with serine.
Molecular consequence: missense variant. On other transcripts: non-coding transcript variant (2).
Genome position (GRCh38, 1-based): chr5:119,496,549, C>G. VCF-style: chr5-119496549-C-G. GRCh37 (hg19) VCF-style: chr5-118832244-C-G.
Other names: c.950C>G, p.Thr317Ser (NM_001199291.3); c.821C>G, p.Thr274Ser (NM_001199292.2); c.803C>G, p.Thr268Ser (NM_001292027.2); c.455C>G, p.Thr152Ser (NM_001292028.2); c.866C>G, p.Thr289Ser (NM_001374497.1); c.875C>G, p.Thr292Ser (NM_001374498.1); c.548C>G, p.Thr183Ser (NM_001374499.1); c.434C>G, p.Thr145Ser (NM_001374500.1); and 1 more; short protein forms T292S, T317S, T274S, T152S, T268S, T289S, T183S, T145S.
Identifiers: ClinVar variation 226674 (VCV000226674.26), dbSNP rs1143650, ClinGen allele CA3382033.
Genomic context (GRCh38, chr5:119,496,549, plus strand): 5'-TAGTCACATCTTTAACAAAGCTTTATTTTTTTTGTTTTTCATTTTTCATTTTAGAATCAA[C>G]TGGCAGTATAATTGAAGTTCTGAGTAAAATAGATTCAGAAGGAGGAGTTTCAGCAAATCA-3'
Protein context (NP_000405.1, residues 282-302): ASKPQSIQES[Thr292Ser]GSIIEVLSKI